The following is an entry in ClinVar:

NM_000541.5(SAG):c.929T>A (p.Leu310His)

Gene: SAG (S-antigen visual arrestin; plus strand). Cytogenetic location: 2q37.1.
Variant type: single nucleotide variant.
Coding change: c.929T>A on transcript NM_000541.5 (MANE Select); coding-DNA position 929, T replaced by A.
Protein change: p.Leu310His; replaces leucine 310 with histidine.
Molecular consequence: missense variant.
Genome position (GRCh38, 1-based): chr2:233,335,084, T>A. VCF-style: chr2-233335084-T-A. GRCh37 (hg19) VCF-style: chr2-234243730-T-A.
Other names: short protein forms L310H.
Identifiers: ClinVar variation 1494649 (VCV001494649.8), dbSNP rs994333706, ClinGen allele CA67557045.
Genomic context (GRCh38, chr2:233,335,084, plus strand): 5'-ACAATCGAGAAAGGAGAGGCATTGCCCTGGATGGGAAAATCAAGCACGAGGACACAAACC[T>A]TGCCTCCAGCACCATGTGAGTCCTCGAGGCTCAGGGAATAAGCCCTGGCAGGGCGGGCTG-3'
Protein context (NP_000532.2, residues 300-320): DGKIKHEDTN[Leu310His]ASSTIIKEGI

ClinVar aggregate classification (germline): Uncertain significance (1 of 4 stars; one submission).

Allele frequency attached by ClinVar (database versions not stated): gnomAD 0.00001; gnomAD exomes below 0.00001; TOPMed 0.00001.
gnomAD v4.1: 6 of 1,613,542 alleles (0.00037%); highest among the groups gnomAD compares: Non-Finnish European, 0.00051%; no homozygotes.

Submission:

Labcorp Genetics (formerly Invitae), Labcorp
Classification: Uncertain significance. Last evaluated: 2025-02-03. Review status: criteria provided, single submitter. Criteria: Invitae Variant Classification Sherloc (09022015). Collection method: clinical testing. Allele origin: germline.
Comment: This sequence change replaces leucine, which is neutral and non-polar, with histidine, which is basic and polar, at codon 310 of the SAG protein (p.Leu310His). This variant is not present in population databases (gnomAD no frequency). This variant has not been reported in the literature in individuals affected with SAG-related conditions. ClinVar contains an entry for this variant (Variation ID: 1494649). Invitae Evidence Modeling of protein sequence and biophysical properties (such as structural, functional, and spatial information, amino acid conservation, physicochemical variation, residue mobility, and thermodynamic stability) indicates that this missense variant is expected to disrupt SAG protein function with a positive predictive value of 80%. In summary, the available evidence is currently insufficient to determine the role of this variant in disease. Therefore, it has been classified as a Variant of Uncertain Significance.